The following is an entry in ClinVar:

NM_001378454.1(ALMS1):c.10570G>A (p.Glu3524Lys)

Gene: ALMS1 (ALMS1 centrosome and basal body associated protein; plus strand). Cytogenetic location: 2p13.1.
Variant type: single nucleotide variant.
Coding change: c.10570G>A on transcript NM_001378454.1 (MANE Select); coding-DNA position 10570, G replaced by A.
Protein change: p.Glu3524Lys; replaces glutamic acid 3524 with lysine.
Molecular consequence: missense variant.
Genome position (GRCh38, 1-based): chr2:73,572,447, G>A. VCF-style: chr2-73572447-G-A. GRCh37 (hg19) VCF-style: chr2-73799574-G-A.
Other names: c.10573G>A, p.Glu3525Lys (NM_015120.4); short protein forms E3525K, E3524K.
Identifiers: ClinVar variation 4730528 (VCV004730528.1).
Genomic context (GRCh38, chr2:73,572,447, plus strand): 5'-AGTGTTTTCATGAGACATTCTTGGAAAGATTTCTTTCAGCATCATCCAGACAAACATAGA[G>A]AACACATGTGTCTTCCTCTTCCTTATCAAAACATGGACAAGACTAAGACAGATTATACCA-3'
Protein context (NP_001365383.1, residues 3514-3534): FFQHHPDKHR[Glu3524Lys]HMCLPLPYQN

ClinVar aggregate classification (germline): Uncertain significance (1 of 4 stars; one submission).

Conditions:
Alstrom syndrome (ALMS). Identifiers: Orphanet 64, MedGen C0268425, MONDO:0008763, OMIM 203800.

gnomAD v4.1: 2 of 1,613,900 alleles (0.00012%); highest among the groups gnomAD compares: South Asian, 0.0022%; no homozygotes.

Submission:

Labcorp Genetics (formerly Invitae), Labcorp
Classification: Uncertain significance for Alstrom syndrome. Last evaluated: 2025-11-05. Review status: criteria provided, single submitter. Criteria: Invitae Variant Classification Sherloc (09022015). Collection method: clinical testing. Allele origin: germline.
Comment: This sequence change replaces glutamic acid, which is acidic and polar, with lysine, which is basic and polar, at codon 3525 of the ALMS1 protein (p.Glu3525Lys). This variant is present in population databases (rs555485864, gnomAD 0.003%). This variant has not been reported in the literature in individuals affected with ALMS1-related conditions. An algorithm developed to predict the effect of missense changes on protein structure and function outputs the following: PolyPhen-2: "Not Available". The lysine amino acid residue is found in multiple mammalian species, which suggests that this missense change does not adversely affect protein function. In summary, the available evidence is currently insufficient to determine the role of this variant in disease. Therefore, it has been classified as a Variant of Uncertain Significance.